The following is an entry in ClinVar:

ClinVar aggregate classification (germline): Uncertain significance. Review status: criteria provided, multiple submitters, no conflicts (2 of 4 stars). 3 submissions from 3 submitters: Uncertain significance (3). Last evaluated 2026-01-07.

Conditions:
Hereditary cancer-predisposing syndrome. Also called: Tumor predisposition; Hereditary Cancer Syndrome; Neoplastic Syndromes, Hereditary; Hereditary neoplastic syndrome. Identifiers: Orphanet 140162, MedGen C0027672, MeSH D009386, MONDO:0015356.
Tuberous sclerosis 1 (TSC1). Identifiers: Orphanet 805, MedGen C1854465, MONDO:0008612, OMIM 191100.
Tuberous sclerosis syndrome (TSC). Also called: Tuberous sclerosis; Tuberous Sclerosis Complex. Identifiers: Orphanet 805, MedGen C0041341, MONDO:0001734.

gnomAD v4.1: 3 of 1,614,220 alleles (0.00019%); highest among the groups gnomAD compares: Non-Finnish European, 0.00025%; no homozygotes.

Submissions (3):

Ambry Genetics
Classification: Uncertain significance for Hereditary cancer-predisposing syndrome. Last evaluated: 2026-01-07. Review status: criteria provided, single submitter. Criteria: Ambry Variant Classification Scheme 2023. Collection method: clinical testing. Allele origin: germline.
Comment: The p.A1070G variant (also known as c.3209C>G), located in coding exon 21 of the TSC1 gene, results from a C to G substitution at nucleotide position 3209. The alanine at codon 1070 is replaced by glycine, an amino acid with similar properties. This amino acid position is poorly conserved in available vertebrate species. In addition, this alteration is predicted to be tolerated by in silico analysis. Based on the available evidence, the clinical significance of this variant remains unclear.

Labcorp Genetics (formerly Invitae), Labcorp
Classification: Uncertain significance for Tuberous sclerosis 1. Last evaluated: 2024-01-21. Review status: criteria provided, single submitter. Criteria: Invitae Variant Classification Sherloc (09022015). Collection method: clinical testing. Allele origin: germline.
Comment: This sequence change replaces alanine, which is neutral and non-polar, with glycine, which is neutral and non-polar, at codon 1070 of the TSC1 protein (p.Ala1070Gly). This variant is not present in population databases (gnomAD no frequency). This variant has not been reported in the literature in individuals affected with TSC1-related conditions. ClinVar contains an entry for this variant (Variation ID: 534480). Advanced modeling of protein sequence and biophysical properties (such as structural, functional, and spatial information, amino acid conservation, physicochemical variation, residue mobility, and thermodynamic stability) performed at Invitae indicates that this missense variant is not expected to disrupt TSC1 protein function with a negative predictive value of 95%. In summary, the available evidence is currently insufficient to determine the role of this variant in disease. Therefore, it has been classified as a Variant of Uncertain Significance.

All of Us Research Program, National Institutes of Health
Classification: Uncertain significance for Tuberous sclerosis syndrome. Last evaluated: 2023-05-31. Review status: criteria provided, single submitter. Criteria: ACMG Guidelines, 2015. Collection method: clinical testing. Allele origin: germline. Inheritance: Autosomal dominant inheritance. Observed: 1 variant allele, 1 heterozygote.
Comment: This study involves interpretation of variants in research participants for the purpose of population health screening. Participant phenotype was not available at the time of variant classification. Additional details can be found in publication PMID: 35346344, PMCID: PMC8962531

NM_000368.5(TSC1):c.3209C>G (p.Ala1070Gly)

Gene: TSC1 (TSC complex subunit 1; minus strand). Cytogenetic location: 9q34.13.
Variant type: single nucleotide variant.
Coding change: c.3209C>G on transcript NM_000368.5 (MANE Select); coding-DNA position 3209, C replaced by G.
Protein change: p.Ala1070Gly; replaces alanine 1070 with glycine.
Molecular consequence: missense variant.
Genome position (GRCh38, 1-based): chr9:132,896,521, G>C on the plus strand (C>G on the coding strand, the complement: TSC1 is on the minus strand). VCF-style: chr9-132896521-G-C. GRCh37 (hg19) VCF-style: chr9-135771908-G-C.
Other names: c.3206C>G, p.Ala1069Gly (NM_001162426.2); c.3056C>G, p.Ala1019Gly (NM_001162427.2); c.2846C>G, p.Ala949Gly (NM_001362177.2); short protein forms A1070G, A1019G, A1069G, A949G.
Identifiers: ClinVar variation 534480 (VCV000534480.11), dbSNP rs1060503200, ClinGen allele CA375367005.